The following is an entry in ClinVar:

NM_182641.4(BPTF):c.4809C>G (p.Ile1603Met)

Gene: BPTF (bromodomain PHD finger transcription factor; plus strand). Cytogenetic location: 17q24.2.
Variant type: single nucleotide variant.
Coding change: c.4809C>G on transcript NM_182641.4 (MANE Select); coding-DNA position 4809, C replaced by G.
Protein change: p.Ile1603Met; replaces isoleucine 1603 with methionine.
Molecular consequence: missense variant.
Genome position (GRCh38, 1-based): chr17:67,912,693, C>G. VCF-style: chr17-67912693-C-G. GRCh37 (hg19) VCF-style: chr17-65908809-C-G.
Other names: c.5187C>G, p.Ile1729Met (NM_004459.7); short protein forms I1603M, I1729M.
Identifiers: ClinVar variation 2413779 (VCV002413779.6), dbSNP rs771774204, ClinGen allele CA8725864.

ClinVar aggregate classification (germline): Uncertain significance (1 of 4 stars; one submission).

Allele frequency attached by ClinVar (database versions not stated): ExAC 0.00001; gnomAD 0.00001; TOPMed 0.00001.
gnomAD v4.1: 5 of 1,614,018 alleles (0.00031%); highest among the groups gnomAD compares: East Asian, 0.0067%; no homozygotes.

Submission:

Labcorp Genetics (formerly Invitae), Labcorp
Classification: Uncertain significance. Last evaluated: 2024-10-08. Review status: criteria provided, single submitter. Criteria: Invitae Variant Classification Sherloc (09022015). Collection method: clinical testing. Allele origin: germline.
Comment: This sequence change replaces isoleucine, which is neutral and non-polar, with methionine, which is neutral and non-polar, at codon 1729 of the BPTF protein (p.Ile1729Met). This variant is present in population databases (rs771774204, gnomAD 0.02%). This variant has not been reported in the literature in individuals affected with BPTF-related conditions. ClinVar contains an entry for this variant (Variation ID: 2413779). An algorithm developed to predict the effect of missense changes on protein structure and function (PolyPhen-2) suggests that this variant is likely to be disruptive. In summary, the available evidence is currently insufficient to determine the role of this variant in disease. Therefore, it has been classified as a Variant of Uncertain Significance.